The following is an entry in ClinVar:

NM_001365951.3(KIF1B):c.2866T>C (p.Phe956Leu)

Genes: KIF1B (kinesin family member 1B; plus strand), LOC126805614 (BRD4-independent group 4 enhancer GRCh37_chr1:10385546-10386745; plus strand). Cytogenetic location: 1p36.22.
Variant type: single nucleotide variant.
Coding change: c.2866T>C on transcript NM_001365951.3 (MANE Select); coding-DNA position 2866, T replaced by C.
Protein change: p.Phe956Leu; replaces phenylalanine 956 with leucine.
Molecular consequence: missense variant.
Genome position (GRCh38, 1-based): chr1:10,326,301, T>C. VCF-style: chr1-10326301-T-C. GRCh37 (hg19) VCF-style: chr1-10386359-T-C.
Other names: c.2866T>C, p.Phe956Leu (NM_001365952.1); c.2728T>C, p.Phe910Leu (NM_015074.3); short protein forms F910L, F956L.
Identifiers: ClinVar variation 4092308 (VCV004092308.1).

ClinVar aggregate classification (germline): Uncertain significance (1 of 4 stars; one submission).

Submission:

Ambry Genetics
Classification: Uncertain significance. Last evaluated: 2025-06-27. Review status: criteria provided, single submitter. Criteria: Ambry Variant Classification Scheme 2023. Collection method: clinical testing. Allele origin: germline.
Comment: The p.F910L variant (also known as c.2728T>C), located in coding exon 24 of the KIF1B gene, results from a T to C substitution at nucleotide position 2728. The phenylalanine at codon 910 is replaced by leucine, an amino acid with highly similar properties. This amino acid position is conserved. In addition, this alteration is predicted to be tolerated by in silico analysis. Based on the available evidence, the clinical significance of this variant remains unclear.